The following is an entry in ClinVar:

ClinVar aggregate classification (germline): Pathogenic (1 of 4 stars; one submission).

Conditions:
Fanconi anemia complementation group C (FANCC). Also called: FANCONI PANCYTOPENIA, TYPE 3; FACC; Fanconi anemia, group C; FANCC-Related Fanconi Anemia. Identifiers: Orphanet 84, MedGen C3468041, MONDO:0009213, OMIM 227645.

Submission:

Myriad Genetics, Inc.
Classification: Pathogenic for Fanconi anemia complementation group C. Last evaluated: 2025-05-28. Review status: criteria provided, single submitter. Criteria: Myriad Autosomal Dominant, Autosomal Recessive and X-Linked Classification Criteria (2023). Collection method: clinical testing. Allele origin: unknown.
Comment: NM_000136.2(FANCC):c.360delT(H120Qfs*24) is expected to be pathogenic in the context of Fanconi anemia, FANCC-related. This variant is predicted to lead to an abnormal or absent protein product due to the creation of a premature termination codon in FANCC, a gene where loss-of-function variants are known to be pathogenic. Please note: this variant was assessed in the context of healthy population screening.

NM_000136.3(FANCC):c.360del (p.His120fs)

Gene: FANCC (FA complementation group C; minus strand). Cytogenetic location: 9q22.32.
Variant type: Deletion.
Coding change: c.360del on transcript NM_000136.3 (MANE Select); coding-DNA position 360, one base deleted (T; older notation c.360delT).
Protein change: p.His120fs; shifts the reading frame from histidine 120.
Molecular consequence: frameshift variant.
Genome position (GRCh38, 1-based): chr9:95,172,133, A deleted on the plus strand (T on the coding strand, the reverse complement: FANCC is on the minus strand). VCF-style (leftmost placement, unchanged base first): chr9-95172132-TA-T. GRCh37 (hg19) VCF-style: chr9-97934414-TA-T.
Other names: c.360del, p.His120fs (NM_001243743.2, NM_001243744.2); short protein forms H120fs.
Identifiers: ClinVar variation 5014534 (VCV005014534.1).